The following is an entry in ClinVar:

NM_004055.5(CAPN5):c.121_123del (p.Tyr41del)

Gene: CAPN5 (calpain 5; plus strand). Cytogenetic location: 11q13.5.
Variant type: Deletion.
Coding change: c.121_123del on transcript NM_004055.5 (MANE Select); coding-DNA positions 121 to 123, 3 bases deleted (TAT; older notation c.121_123delTAT).
Protein change: p.Tyr41del; deletes tyrosine 41.
Molecular consequence: inframe deletion.
Genome position (GRCh38, 1-based): chr11:77,085,007-77,085,009, TAT deleted. VCF-style (leftmost placement, unchanged base first): chr11-77085006-CTAT-C. GRCh37 (hg19) VCF-style: chr11-76796052-CTAT-C.
Other names: short protein forms Y41del.
Identifiers: ClinVar variation 866807 (VCV000866807.11), dbSNP rs782792970, ClinGen allele CA6196116.

ClinVar aggregate classification (germline): Uncertain significance. Review status: criteria provided, multiple submitters, no conflicts (2 of 4 stars). 2 submissions from 2 submitters: Uncertain significance (2). Last evaluated 2024-04-25.

Allele frequency attached by ClinVar (database versions not stated): gnomAD exomes below 0.00001 and 0.00001; ExAC 0.00001; gnomAD 0.00001.

Submissions (2):

Labcorp Genetics (formerly Invitae), Labcorp
Classification: Uncertain significance. Last evaluated: 2024-04-25. Review status: criteria provided, single submitter. Criteria: Invitae Variant Classification Sherloc (09022015). Collection method: clinical testing. Allele origin: germline.
Comment: This variant, c.121_123del, results in the deletion of 1 amino acid(s) of the CAPN5 protein (p.Tyr41del), but otherwise preserves the integrity of the reading frame. This variant is present in population databases (rs782792970, gnomAD 0.0009%). This variant has not been reported in the literature in individuals affected with CAPN5-related conditions. ClinVar contains an entry for this variant (Variation ID: 866807). Experimental studies and prediction algorithms are not available or were not evaluated, and the functional significance of this variant is currently unknown. In summary, the available evidence is currently insufficient to determine the role of this variant in disease. Therefore, it has been classified as a Variant of Uncertain Significance.

Blueprint Genetics
Classification: Uncertain significance. Last evaluated: 2018-08-21. Review status: criteria provided, single submitter. Criteria: ACMG Guidelines, 2015. Collection method: clinical testing. Allele origin: germline.